The following is an entry in ClinVar:

ClinVar aggregate classification (germline): Uncertain significance (1 of 4 stars; one submission).

Conditions:
Inborn genetic diseases. Identifiers: MedGen C0950123, MeSH D030342.

gnomAD v4.1: 2 of 1,478,256 alleles (0.00014%); highest among the groups gnomAD compares: Non-Finnish European, 0.000089%; no homozygotes.

Submission:

Ambry Genetics
Classification: Uncertain significance for Inborn genetic diseases. Last evaluated: 2025-08-22. Review status: criteria provided, single submitter. Criteria: Ambry Variant Classification Scheme 2023. Collection method: clinical testing. Allele origin: germline.
Comment: The p.A206V variant (also known as c.617C>T), located in coding exon 1 of the SH2B3 gene, results from a C to T substitution at nucleotide position 617. The alanine at codon 206 is replaced by valine, an amino acid with similar properties. This amino acid position is conserved. In addition, this alteration is predicted to be tolerated by in silico analysis. Based on the available evidence, the clinical significance of this variant remains unclear.

NM_005475.3(SH2B3):c.617C>T (p.Ala206Val)

Gene: SH2B3 (SH2B adaptor protein 3; plus strand). Cytogenetic location: 12q24.12.
Variant type: single nucleotide variant.
Coding change: c.617C>T on transcript NM_005475.3 (MANE Select); coding-DNA position 617, C replaced by T.
Protein change: p.Ala206Val; replaces alanine 206 with valine.
Molecular consequence: missense variant.
Genome position (GRCh38, 1-based): chr12:111,418,762, C>T. VCF-style: chr12-111418762-C-T. GRCh37 (hg19) VCF-style: chr12-111856566-C-T.
Other names: short protein forms A206V.
Identifiers: ClinVar variation 4164002 (VCV004164002.1).
Genomic context (GRCh38, chr12:111,418,762, plus strand): 5'-GCCTGGCCCGGGAGCCGCCACCCGAGGCGCTGAAGGAGGCGGTGCTGCGCTACAGCCTGG[C>T]CGACGAGGCCTCCATGGACAGCGGGGCACGCTGGCAGCGCGGGAGGCTGGCGCTGCGCCG-3'
Protein context (NP_005466.1, residues 196-216): LKEAVLRYSL[Ala206Val]DEASMDSGAR